The following is an entry in ClinVar:

ClinVar aggregate classification (germline): Likely benign. Review status: criteria provided, multiple submitters, no conflicts (2 of 4 stars). 2 submissions from 2 submitters: Likely benign (2). Last evaluated 2025-08-15.

Conditions:
GP1BB-related disorder. Also called: GP1BB-related condition.

Submissions (2):

PreventionGenetics, part of Exact Sciences
Classification: Likely benign for GP1BB-related condition. Last evaluated: 2025-08-15. Review status: criteria provided, single submitter. Criteria: ACMG Guidelines, 2015. Collection method: clinical testing. Allele origin: germline.
Comment: This variant is classified as likely benign based on ACMG/AMP sequence variant interpretation guidelines (Richards et al. 2015 PMID: 25741868, with internal and published modifications).

Labcorp Genetics (formerly Invitae), Labcorp
Classification: Likely benign. Last evaluated: 2018-05-16. Review status: criteria provided, single submitter. Criteria: Invitae Variant Classification Sherloc (09022015). Collection method: clinical testing. Allele origin: germline.

NM_000407.5(GP1BB):c.399C>G (p.Ala133=)

Genes: GP1BB (glycoprotein Ib platelet subunit beta; plus strand), SEPT5-GP1BB (SEPT5-GP1BB readthrough; plus strand). Cytogenetic location: 22q11.21.
Variant type: single nucleotide variant.
Coding change: c.399C>G on transcript NM_000407.5 (MANE Select); coding-DNA position 399, C replaced by G.
Protein change: p.Ala133=; no amino-acid change (alanine 133 retained).
Molecular consequence: synonymous variant. On other transcripts: non-coding transcript variant (2).
Genome position (GRCh38, 1-based): chr22:19,724,242, C>G. VCF-style: chr22-19724242-C-G. GRCh37 (hg19) VCF-style: chr22-19711765-C-G.
Identifiers: ClinVar variation 746370 (VCV000746370.4), dbSNP rs142352780, ClinGen allele CA513686984.